The following is an entry in ClinVar:

NM_005751.5(AKAP9):c.205A>G (p.Ser69Gly)

Gene: AKAP9 (A-kinase anchoring protein 9; plus strand). Cytogenetic location: 7q21.2.
Variant type: single nucleotide variant.
Coding change: c.205A>G on transcript NM_005751.5 (MANE Select); coding-DNA position 205, A replaced by G.
Protein change: p.Ser69Gly; replaces serine 69 with glycine.
Molecular consequence: missense variant.
Genome position (GRCh38, 1-based): chr7:91,973,867, A>G. VCF-style: chr7-91973867-A-G. GRCh37 (hg19) VCF-style: chr7-91603181-A-G.
Other names: c.205A>G, p.Ser69Gly (NM_147185.3); short protein forms S69G.
Identifiers: ClinVar variation 3389027 (VCV003389027.14).
Genomic context (GRCh38, chr7:91,973,867, plus strand): 5'-GTGTCAGCACACCATGATTTGAATATTGATCAATCACAGTGTAATGAAATGTACATAAAT[A>G]GTTCTCAGAGAGTAGAATCAACTGTGATTCCTGAATCTACAATAATGAGAACTCTACATA-3'
Protein context (NP_005742.4, residues 59-79): QSQCNEMYIN[Ser69Gly]SQRVESTVIP

ClinVar aggregate classification (germline): Uncertain significance (1 of 4 stars; one submission).

gnomAD v4.1: 3 of 1,614,142 alleles (0.00019%); highest among the groups gnomAD compares: East Asian, 0.0045%; no homozygotes.

Submission:

CeGaT Center for Human Genetics Tuebingen
Classification: Uncertain significance. Last evaluated: 2024-10-01. Review status: criteria provided, single submitter. Criteria: CeGaT Center For Human Genetics Tuebingen Variant Classification Criteria Version 2. Collection method: clinical testing. Allele origin: germline. Affected: yes. Observed: 1 variant allele.
Comment: AKAP9: PM2, BP4